The following is an entry in ClinVar:

ClinVar aggregate classification (germline): Pathogenic/Likely pathogenic. Review status: criteria provided, multiple submitters, no conflicts (2 of 4 stars). 4 submissions from 4 submitters: Pathogenic (2); Likely pathogenic (1). 1 of the submissions does not count toward it. Last evaluated 2025-07-16.

Conditions:
KRIT1-related disorder. Also called: KRIT1-related disorders; KRIT1-related condition.
Cerebral cavernous malformation (CCM). Also called: Cavernous Hemangioma of Brain; Cerebral cavernous hemangioma (type); Cerebral cavernous malformations; CAVERNOUS ANGIOMA, FAMILIAL; CAVERNOUS ANGIOMATOUS MALFORMATIONS; CEREBRAL CAPILLARY MALFORMATIONS. Identifiers: Orphanet 221061, MedGen C2919945, MONDO:0000820, OMIM 116860, HP:0033522.

Submissions (4):

3billion
Classification: Pathogenic for Cerebral cavernous malformation. Last evaluated: 2025-07-16. Review status: criteria provided, single submitter. Criteria: ACMG Guidelines, 2015. Collection method: clinical testing. Allele origin: germline. Affected: yes.
Comment: The variant is not observed in the gnomAD v4.1.0 dataset. Predicted Consequence/Location: Frameshift: predicted to result in a loss or disruption of normal protein function through nonsense-mediated decay (NMD) or protein truncation. Multiple pathogenic variants are reported downstream of the variant. The variant has been reported at least twice as pathogenic without evidence for the classification (ClinVar ID: VCV001074766). Therefore, this variant is classified as Pathogenic according to the recommendation of ACMG/AMP guideline.

PreventionGenetics, part of Exact Sciences
Classification: Likely pathogenic for KRIT1-related condition. Last evaluated: 2025-03-01. Review status: criteria provided, single submitter. Criteria: ACMG Guidelines, 2015. Collection method: clinical testing. Allele origin: germline.
Comment: The KRIT1 c.1389_1390delAT variant is predicted to result in a frameshift and premature protein termination (p.Ile463Metfs*16). To our knowledge, this variant has not been reported in the literature or in a large population database (gnomAD), indicating this variant is rare. Frameshift variants in KRIT1 are expected to be pathogenic. This variant is interpreted as likely pathogenic.

Labcorp Genetics (formerly Invitae), Labcorp
Classification: Pathogenic for Cerebral cavernous malformation. Last evaluated: 2023-01-20. Review status: criteria provided, single submitter. Criteria: Invitae Variant Classification Sherloc (09022015). Collection method: clinical testing. Allele origin: germline.
Comment: For these reasons, this variant has been classified as Pathogenic. ClinVar contains an entry for this variant (Variation ID: 1074766). This variant has not been reported in the literature in individuals affected with KRIT1-related conditions. This variant is not present in population databases (gnomAD no frequency). This sequence change creates a premature translational stop signal (p.Ile463Metfs*16) in the KRIT1 gene. It is expected to result in an absent or disrupted protein product. Loss-of-function variants in KRIT1 are known to be pathogenic (PMID: 10508515, 11222804, 12404106, 24689081).

Seattle Children's Hospital Molecular Genetics Laboratory, Seattle Children's Hospital
Classification: Pathogenic for Cerebral cavernous malformation. Review status: no assertion criteria provided. Collection method: clinical testing. Allele origin: germline. Affected: yes. Not counted in ClinVar's aggregate classification.

Literature cited by the submitters: PubMed 10508515 (cited by Labcorp Genetics (formerly Invitae), Labcorp); PubMed 11222804 (cited by Labcorp Genetics (formerly Invitae), Labcorp); PubMed 12404106 (cited by Labcorp Genetics (formerly Invitae), Labcorp); PubMed 24689081 (cited by Labcorp Genetics (formerly Invitae), Labcorp).

NM_194454.3(KRIT1):c.1389_1390del (p.Ile463fs)

Gene: KRIT1 (KRIT1 ankyrin repeat containing; minus strand). Cytogenetic location: 7q21.2.
Variant type: Microsatellite.
Coding change: c.1389_1390del on transcript NM_194454.3 (MANE Select); coding-DNA positions 1389 to 1390, 2 bases deleted (AT; older notation c.1389_1390delAT).
Protein change: p.Ile463fs; shifts the reading frame from isoleucine 463.
Molecular consequence: frameshift variant.
Genome position (GRCh38, 1-based): chr7:92,222,843-92,222,844, AT deleted on the plus strand (AT on the coding strand, the reverse complement: KRIT1 is on the minus strand); deleting any 2 consecutive bases within chr7:92,222,843-92,222,847 gives the same sequence; the c. name uses the placement nearest the transcript's 3' end. VCF-style (leftmost placement, unchanged base first): chr7-92222842-CAT-C. GRCh37 (hg19) VCF-style: chr7-91852156-CAT-C.
Other names: c.1389_1390delAT (NM_194456.1); c.1245_1246del, p.Ile415fs (NM_001013406.2, NM_001350669.1, NM_001350670.1); c.675_676del, p.Ile225fs (NM_001350671.1); c.1389_1390del, p.Ile463fs (NM_001350672.1, NM_001350673.1, NM_001350674.1 and 26 more transcripts); short protein forms I225fs, I415fs, I463fs.
Identifiers: ClinVar variation 1074766 (VCV001074766.10), dbSNP rs2131452462, ClinGen allele CA2580615926.